The following is an entry in ClinVar:

NM_000059.4(BRCA2):c.8585_8586del (p.Leu2862fs)

Gene: BRCA2 (BRCA2 DNA repair associated; plus strand). Cytogenetic location: 13q13.1.
Variant type: Deletion.
Coding change: c.8585_8586del on transcript NM_000059.4 (MANE Select); coding-DNA positions 8585 to 8586, 2 bases deleted (TA; older notation c.8585_8586delTA).
Protein change: p.Leu2862fs; shifts the reading frame from leucine 2862.
Molecular consequence: frameshift variant.
Genome position (GRCh38, 1-based): chr13:32,371,053-32,371,054, TA deleted. VCF-style (leftmost placement, unchanged base first): chr13-32371052-CTA-C. GRCh37 (hg19) VCF-style: chr13-32945189-CTA-C.
Other names: c.8585_8586delTA (NM_000059.3); short protein forms L2862fs.
Identifiers: ClinVar variation 236920 (VCV000236920.11), dbSNP rs878853611, ClinGen allele CA10583144.
Genomic context (GRCh38, chr13:32,371,052, plus strand): 5'-CGCAATGAAAGAGAGGAAGAAAAGGAAGCAGCAAAATATGTGGAGGCCCAACAAAAGAGA[CTA>C]GAAGCCTTATTCACTAAAATTCAGGAGGAATTTGAAGAACATGAAGGTAAAATTAGTTAT-3'

ClinVar aggregate classification (germline): Pathogenic. Review status: reviewed by expert panel (3 of 4 stars). 2 submissions from 2 submitters: Pathogenic (1). 1 of the submissions does not count toward it. Last evaluated 2017-12-15.

Conditions:
Hereditary breast ovarian cancer syndrome. Also called: Hereditary breast and ovarian cancer; Breast and ovarian cancer; BRCA1- and BRCA2-Associated Hereditary Breast and Ovarian Cancer; Hereditary breast and ovarian cancer syndrome; Hereditary breast and ovarian cancer syndrome (HBOC); Hereditary breast and/or ovarian cancer syndrome. Identifiers: Orphanet 145, MedGen C0677776, MeSH D061325, MONDO:0003582. Disease mechanism: loss of function.
Breast-ovarian cancer, familial, susceptibility to, 2 (BROVCA2). Also called: BRCA2 Hereditary Breast and Ovarian Cancer. Identifiers: Orphanet 145, MedGen C2675520, MONDO:0012933, OMIM 612555. Disease mechanism: loss of function.

Submissions (2):

Evidence-based Network for the Interpretation of Germline Mutant Alleles (ENIGMA)
Classification: Pathogenic for Breast-ovarian cancer, familial, susceptibility to, 2. Last evaluated: 2017-12-15. Review status: reviewed by expert panel. Criteria: ENIGMA BRCA1/2 Classification Criteria (2017-06-29). Collection method: curation. Allele origin: germline. Study: ENIGMA.
Comment: Variant allele predicted to encode a truncated non-functional protein.

Labcorp Genetics (formerly Invitae), Labcorp
Classification: Pathogenic for Hereditary breast ovarian cancer syndrome. Last evaluated: 2021-09-15. Review status: criteria provided, single submitter. Criteria: Invitae Variant Classification Sherloc (09022015). Collection method: clinical testing. Allele origin: germline. Not counted in ClinVar's aggregate classification.
Comment: This sequence change deletes 2 nucleotides from exon 20 of the BRCA2 mRNA (c.8585_8586delTA), causing a frameshift at codon 2862. This creates a premature translational stop signal (p.Leu2862Argfs*6) and is expected to result in an absent or disrupted protein product. Truncating variants in BRCA2 are known to be pathogenic (PMID: 20104584). This particular variant has been reported in the Breast Cancer Information Core database (PMID: 10923033). For these reasons, this variant has been classified as Pathogenic.

Literature cited by the submitters: PubMed 20104584 (cited by Labcorp Genetics (formerly Invitae), Labcorp); PubMed 10923033 (cited by Labcorp Genetics (formerly Invitae), Labcorp).